The following is an entry in ClinVar:

ClinVar aggregate classification (germline): Uncertain significance (1 of 4 stars; one submission).

Conditions:
Alpha thalassemia-X-linked intellectual disability syndrome (ATRX). Also called: ATR-X syndrome; Alpha thalassemia mental retardation syndrome, nondeletion type, X-linked; XLMR hypotonic face syndrome; ALPHA-THALASSEMIA/IMPAIRED INTELLECTUAL DEVELOPMENT SYNDROME, X-LINKED; ALPHA-THALASSEMIA/MENTAL RETARDATION SYNDROME, X-LINKED; ATR, NONDELETION TYPE. Identifiers: Orphanet 847, MedGen C1845055, MONDO:0010519, OMIM 301040.

Allele frequency attached by ClinVar (database versions not stated): TOPMed below 0.00001; gnomAD 0.00001.

Submission:

Labcorp Genetics (formerly Invitae), Labcorp
Classification: Uncertain significance for Alpha thalassemia-X-linked intellectual disability syndrome. Last evaluated: 2021-08-28. Review status: criteria provided, single submitter. Criteria: Invitae Variant Classification Sherloc (09022015). Collection method: clinical testing. Allele origin: germline.
Comment: This sequence change replaces methionine with isoleucine at codon 6 of the ATRX protein (p.Met6Ile). The methionine residue is weakly conserved and there is a small physicochemical difference between methionine and isoleucine. This variant is not present in population databases (ExAC no frequency). This variant has not been reported in the literature in individuals affected with ATRX-related conditions. Algorithms developed to predict the effect of missense changes on protein structure and function (SIFT, PolyPhen-2, Align-GVGD) all suggest that this variant is likely to be tolerated. In summary, the available evidence is currently insufficient to determine the role of this variant in disease. Therefore, it has been classified as a Variant of Uncertain Significance.

NM_000489.6(ATRX):c.18G>A (p.Met6Ile)

Genes: ATRX (ATRX chromatin remodeler; minus strand), LOC130068458 (ATAC-STARR-seq lymphoblastoid active region 29779; plus strand). Cytogenetic location: Xq21.1.
Variant type: single nucleotide variant.
Coding change: c.18G>A on transcript NM_000489.6 (MANE Select); coding-DNA position 18, G replaced by A.
Protein change: p.Met6Ile; replaces methionine 6 with isoleucine.
Molecular consequence: missense variant.
Genome position (GRCh38, 1-based): chrX:77,785,984, C>T on the plus strand (G>A on the coding strand, the complement: ATRX is on the minus strand). VCF-style: chrX-77785984-C-T. GRCh37 (hg19) VCF-style: chrX-77041470-C-T.
Other names: c.18G>A, p.Met6Ile (NM_138270.5); short protein forms M6I.
Identifiers: ClinVar variation 856527 (VCV000856527.4), dbSNP rs2076734106, ClinGen allele CA413706567.
Genomic context (GRCh38, chrX:77,785,984, plus strand): 5'-ACTCAGACGGTGCCTGGGCCCAGACCGCTGGGGCCCATGAGACGGGGTTGCGTTTTACCT[C>T]ATGGGCTCAGCGGTCATGTTTTCGCTTGAACGCCTTGTCGGCTTCTGTGATTGCTGGGCG-3'
Protein context (NP_000480.3, residues 1-16): MTAEP[Met6Ile]SESKLNTLVQ